The following is an entry in ClinVar:

NM_001367624.2(ZNF469):c.5882G>T (p.Gly1961Val)

Gene: ZNF469 (zinc finger protein 469; plus strand). Cytogenetic location: 16q24.2.
Variant type: single nucleotide variant.
Coding change: c.5882G>T on transcript NM_001367624.2 (MANE Select); coding-DNA position 5882, G replaced by T.
Protein change: p.Gly1961Val; replaces glycine 1961 with valine.
Molecular consequence: missense variant.
Genome position (GRCh38, 1-based): chr16:88,433,352, G>T. VCF-style: chr16-88433352-G-T. GRCh37 (hg19) VCF-style: chr16-88499760-G-T.
Other names: NM_001127464.1:c.5798G>T; short protein forms G1961V.
Identifiers: ClinVar variation 1749690 (VCV001749690.2), dbSNP rs1026094927, ClinGen allele CA397102903.

ClinVar aggregate classification (germline): Uncertain significance (1 of 4 stars; one submission).

Conditions:
Cardiovascular phenotype. Identifiers: MedGen CN230736.

gnomAD v4.1: 4 of 1,550,286 alleles (0.00026%); highest among the groups gnomAD compares: East Asian, 0.0073%; no homozygotes.

Submission:

Ambry Genetics
Classification: Uncertain significance for Cardiovascular phenotype. Last evaluated: 2022-05-24. Review status: criteria provided, single submitter. Criteria: Ambry Variant Classification Scheme 2023. Collection method: clinical testing. Allele origin: germline.
Comment: The p.G1933V variant (also known as c.5798G>T), located in coding exon 2 of the ZNF469 gene, results from a G to T substitution at nucleotide position 5798. The glycine at codon 1933 is replaced by valine, an amino acid with dissimilar properties. This amino acid position is conserved. In addition, this alteration is predicted to be tolerated by in silico analysis. Since supporting evidence is limited at this time, the clinical significance of this alteration remains unclear.